The following is an entry in ClinVar:

NM_145868.2(ANXA11):c.1086+4A>T

Gene: ANXA11 (annexin A11; minus strand). Cytogenetic location: 10q22.3.
Variant type: single nucleotide variant.
Coding change: c.1086+4A>T on transcript NM_145868.2 (MANE Select); 4 bases into the intron after coding-DNA position 1086, A replaced by T.
Molecular consequence: intron variant.
Genome position (GRCh38, 1-based): chr10:80,163,345, T>A on the plus strand (A>T on the coding strand, the complement: ANXA11 is on the minus strand). VCF-style: chr10-80163345-T-A. GRCh37 (hg19) VCF-style: chr10-81923101-T-A.
Other names: c.1086+4A>T (NM_001278407.2, NM_001157.3, NM_145869.2 and 1 more transcripts); c.987+4A>T (NM_001278409.2).
Identifiers: ClinVar variation 1402633 (VCV001402633.6), dbSNP rs1845589144, ClinGen allele CA1922524443.

ClinVar aggregate classification (germline): Uncertain significance (1 of 4 stars; one submission).

Allele frequency attached by ClinVar (database versions not stated): TOPMed below 0.00001.

Submission:

Labcorp Genetics (formerly Invitae), Labcorp
Classification: Uncertain significance. Last evaluated: 2021-04-27. Review status: criteria provided, single submitter. Criteria: Invitae Variant Classification Sherloc (09022015). Collection method: clinical testing. Allele origin: germline.
Comment: In summary, the available evidence is currently insufficient to determine the role of this variant in disease. Therefore, it has been classified as a Variant of Uncertain Significance. Nucleotide substitutions within the consensus splice site are a relatively common cause of aberrant splicing (PMID: 17576681, 9536098). Algorithms developed to predict the effect of sequence changes on RNA splicing suggest that this variant may disrupt the consensus splice site, but this prediction has not been confirmed by published transcriptional studies. This variant has not been reported in the literature in individuals with ANXA11-related conditions. This variant is not present in population databases (ExAC no frequency). This sequence change falls in intron 10 of the ANXA11 gene. It does not directly change the encoded amino acid sequence of the ANXA11 protein. It affects a nucleotide within the consensus splice site of the intron.

Literature cited by the submitters: PubMed 17576681; PubMed 9536098.